The following is an entry in ClinVar:

ClinVar aggregate classification (germline): Conflicting classifications of pathogenicity. Review status: criteria provided, conflicting classifications (1 of 4 stars). 2 submissions from 2 submitters: Uncertain significance (1); Likely benign (1). Last evaluated 2026-07-21.

Conditions:
PRKCB-related disorder. Also called: PRKCB-related condition.

gnomAD v4.1: 741 of 1,614,148 alleles (0.046%); highest among the groups gnomAD compares: Non-Finnish European, 0.056%; no homozygotes.

Submissions (2):

PreventionGenetics, part of Exact Sciences
Classification: Likely benign for PRKCB-related condition. Last evaluated: 2026-07-21. Review status: criteria provided, single submitter. Criteria: ACMG Guidelines, 2015. Collection method: clinical testing. Allele origin: germline.
Comment: This variant is classified as likely benign based on ACMG/AMP sequence variant interpretation guidelines (Richards et al. 2015 PMID: 25741868, with internal and published modifications).

Ambry Genetics
Classification: Uncertain significance. Last evaluated: 2025-08-08. Review status: criteria provided, single submitter. Criteria: Ambry Variant Classification Scheme 2023. Collection method: clinical testing. Allele origin: germline.

NM_002738.7(PRKCB):c.493C>G (p.Gln165Glu)

Gene: PRKCB (protein kinase C beta; plus strand). Cytogenetic location: 16p12.2.
Variant type: single nucleotide variant.
Coding change: c.493C>G on transcript NM_002738.7 (MANE Select); coding-DNA position 493, C replaced by G.
Protein change: p.Gln165Glu; replaces glutamine 165 with glutamic acid.
Molecular consequence: missense variant.
Genome position (GRCh38, 1-based): chr16:24,035,511, C>G. VCF-style: chr16-24035511-C-G. GRCh37 (hg19) VCF-style: chr16-24046832-C-G.
Other names: c.493C>G (NM_212535.2); c.493C>G, p.Gln165Glu (NM_212535.3); short protein forms Q165E.
Identifiers: ClinVar variation 4144407 (VCV004144407.2).
Genomic context (GRCh38, chr16:24,035,511, plus strand): 5'-ATGAATGTTCCCAGCCTGTGTGGCACGGACCACACGGAGCGCCGCGGCCGCATCTACATC[C>G]AGGCCCACATCGACAGGGACGTCCTCATTGTCCTCGGTAGGTGGCCCTGGGGCTCCACTG-3'
Protein context (NP_002729.2, residues 155-175): HTERRGRIYI[Gln165Glu]AHIDRDVLIV